The following is an entry in ClinVar:

ClinVar aggregate classification (germline): Conflicting classifications of pathogenicity. Review status: criteria provided, conflicting classifications (1 of 4 stars). 3 submissions from 3 submitters: Uncertain significance (1); Likely benign (1). 1 of the submissions does not count toward it. Last evaluated 2024-03-10.

Conditions:
Hereditary cancer-predisposing syndrome. Also called: Tumor predisposition; Hereditary neoplastic syndrome; Hereditary Cancer Syndrome; Neoplastic Syndromes, Hereditary. Identifiers: Orphanet 140162, MedGen C0027672, MeSH D009386, MONDO:0015356.
Hereditary breast ovarian cancer syndrome. Also called: Hereditary breast and ovarian cancer syndrome; Hereditary breast and ovarian cancer; Hereditary breast and ovarian cancer syndrome (HBOC); BRCA1- and BRCA2-Associated Hereditary Breast and Ovarian Cancer; Hereditary breast and/or ovarian cancer syndrome; Breast and ovarian cancer. Identifiers: Orphanet 145, MedGen C0677776, MeSH D061325, MONDO:0003582. Disease mechanism: loss of function.

Submissions (3):

Labcorp Genetics (formerly Invitae), Labcorp
Classification: Uncertain significance for Hereditary breast ovarian cancer syndrome. Last evaluated: 2024-03-10. Review status: criteria provided, single submitter. Criteria: Invitae Variant Classification Sherloc (09022015). Collection method: clinical testing. Allele origin: germline.
Comment: This sequence change replaces phenylalanine, which is neutral and non-polar, with cysteine, which is neutral and slightly polar, at codon 1127 of the BRCA2 protein (p.Phe1127Cys). This variant is not present in population databases (gnomAD no frequency). This variant has not been reported in the literature in individuals affected with BRCA2-related conditions. ClinVar contains an entry for this variant (Variation ID: 1050608). Advanced modeling of protein sequence and biophysical properties (such as structural, functional, and spatial information, amino acid conservation, physicochemical variation, residue mobility, and thermodynamic stability) performed at Invitae indicates that this missense variant is not expected to disrupt BRCA2 protein function with a negative predictive value of 95%. In summary, the available evidence is currently insufficient to determine the role of this variant in disease. Therefore, it has been classified as a Variant of Uncertain Significance.

University of Washington Department of Laboratory Medicine, University of Washington
Classification: Likely benign for Hereditary cancer-predisposing syndrome. Last evaluated: 2023-03-23. Review status: criteria provided, single submitter. Criteria: Dines et al. (Genet Med. 2020). Collection method: curation. Allele origin: germline.
Comment: Missense variant in a coldspot region where missense variants are very unlikely to be pathogenic (PMID:31911673).

BRCA2 exon 11 coldspot. Reclassification based on statistical prior probability.

Department of Pathology and Laboratory Medicine, Sinai Health System
Classification: Uncertain significance. Review status: no assertion criteria provided. Collection method: clinical testing. Allele origin: unknown. Affected: yes. Study: The Canadian Open Genetics Repository (COGR). Not counted in ClinVar's aggregate classification.
Comment: The BRCA2 p.Phe1127Cys variant was not identified in the literature nor was it identified in the following databases: dbSNP, ClinVar, COGR, Cosmic, MutDB, LOVD 3.0, UMD-LSDB, BIC Database, ARUP Laboratories, Zhejiang Colon Cancer Database, the 1000 Genomes Project, the NHLBI GO Exome Sequencing Project, the Exome Aggregation Consortium (August 8th 2016), or the Genome Aggregation Database (Feb 27, 2017). The p.Phe1127 residue is conserved in mammals, but not in lower organisms, and computational analyses (PolyPhen-2, SIFT, AlignGVGD, BLOSUM, MutationTaster) suggest that the Cys variant may impact the protein. The variant occurs outside of the splicing consensus sequence and in silico or computational prediction software programs (SpliceSiteFinder, MaxEntScan, NNSPLICE, GeneSplicer, HumanSpliceFinder) do not predict a difference in splicing. In summary, based on the above information the clinical significance of this variant cannot be determined with certainty at this time. This variant is classified as a variant of uncertain significance.

NM_000059.4(BRCA2):c.3380T>G (p.Phe1127Cys)

Gene: BRCA2 (BRCA2 DNA repair associated; plus strand). Cytogenetic location: 13q13.1.
Variant type: single nucleotide variant.
Coding change: c.3380T>G on transcript NM_000059.4 (MANE Select); coding-DNA position 3380, T replaced by G.
Protein change: p.Phe1127Cys; replaces phenylalanine 1127 with cysteine.
Molecular consequence: missense variant.
Genome position (GRCh38, 1-based): chr13:32,337,735, T>G. VCF-style: chr13-32337735-T-G. GRCh37 (hg19) VCF-style: chr13-32911872-T-G.
Other names: short protein forms F1127C.
Identifiers: ClinVar variation 1050608 (VCV001050608.7), dbSNP rs2137495989, ClinGen allele CA387776427.
Genomic context (GRCh38, chr13:32,337,735, plus strand): 5'-AAAAGGCAGAAATTACAGAACTTTCTACTATATTAGAAGAATCAGGAAGTCAGTTTGAAT[T>G]TACTCAGTTTAGAAAACCAAGCTACATATTGCAGAAGAGTACATTTGAAGTGCCTGAAAA-3'
Protein context (NP_000050.3, residues 1117-1137): ILEESGSQFE[Phe1127Cys]TQFRKPSYIL